The following is an entry in ClinVar:

NM_002010.3(FGF9):c.539G>A (p.Arg180Gln)

Gene: FGF9 (fibroblast growth factor 9; plus strand). Cytogenetic location: 13q12.11.
Variant type: single nucleotide variant.
Coding change: c.539G>A on transcript NM_002010.3 (MANE Select); coding-DNA position 539, G replaced by A.
Protein change: p.Arg180Gln; replaces arginine 180 with glutamine.
Molecular consequence: missense variant.
Genome position (GRCh38, 1-based): chr13:21,701,347, G>A. VCF-style: chr13-21701347-G-A. GRCh37 (hg19) VCF-style: chr13-22275486-G-A.
Other names: short protein forms R180Q.
Identifiers: ClinVar variation 3697147 (VCV003697147.2).

ClinVar aggregate classification (germline): Uncertain significance (1 of 4 stars; one submission).

Submission:

Labcorp Genetics (formerly Invitae), Labcorp
Classification: Uncertain significance. Last evaluated: 2025-01-27. Review status: criteria provided, single submitter. Criteria: Invitae Variant Classification Sherloc (09022015). Collection method: clinical testing. Allele origin: germline.
Comment: This sequence change replaces arginine, which is basic and polar, with glutamine, which is neutral and polar, at codon 180 of the FGF9 protein (p.Arg180Gln). The frequency data for this variant in the population databases is considered unreliable, as metrics indicate poor data quality at this position in the gnomAD database. This variant has not been reported in the literature in individuals affected with FGF9-related conditions. An algorithm developed to predict the effect of missense changes on protein structure and function (PolyPhen-2) suggests that this variant is likely to be disruptive. In summary, the available evidence is currently insufficient to determine the role of this variant in disease. Therefore, it has been classified as a Variant of Uncertain Significance.